The following is an entry in ClinVar:

NM_002017.5(FLI1):c.239C>A (p.Pro80Gln)

Gene: FLI1 (Fli-1 proto-oncogene, ETS transcription factor; plus strand). Cytogenetic location: 11q24.3.
Variant type: single nucleotide variant.
Coding change: c.239C>A on transcript NM_002017.5 (MANE Select); coding-DNA position 239, C replaced by A.
Protein change: p.Pro80Gln; replaces proline 80 with glutamine.
Molecular consequence: missense variant. On other transcripts: intron variant (1).
Genome position (GRCh38, 1-based): chr11:128,768,126, C>A. VCF-style: chr11-128768126-C-A. GRCh37 (hg19) VCF-style: chr11-128638021-C-A.
Other names: c.140C>A, p.Pro47Gln (NM_001167681.3); c.41C>A, p.Pro14Gln (NM_001271010.2); c.10+9800C>A (NM_001271012.2); short protein forms P14Q, P80Q, P47Q.
Identifiers: ClinVar variation 4025529 (VCV004025529.2).
Genomic context (GRCh38, chr11:128,768,126, plus strand): 5'-AGCTGCCCTGTCAGTGCTGACCGCCTCTGGGCTTTGTCTCTTCTCACTTTAGGGAGTCTC[C>A]GGTGGACTGCAGCGTTAGCAAATGCAGCAAGCTGGTGGGCGGAGGCGAGTCCAACCCCAT-3'
Protein context (NP_002008.2, residues 70-90): YDHMNGSRES[Pro80Gln]VDCSVSKCSK

ClinVar aggregate classification (germline): Uncertain significance. Review status: criteria provided, multiple submitters, no conflicts (2 of 4 stars). 2 submissions from 2 submitters: Uncertain significance (2). Last evaluated 2025-06-15.

Conditions:
Inborn genetic diseases. Identifiers: MedGen C0950123, MeSH D030342.

gnomAD v4.1: 1 of 1,611,982 alleles (0.000062%); highest among the groups gnomAD compares: Admixed American, 0.0017%; no homozygotes.

Submissions (2):

Labcorp Genetics (formerly Invitae), Labcorp
Classification: Uncertain significance. Last evaluated: 2025-06-15. Review status: criteria provided, single submitter. Criteria: Invitae Variant Classification Sherloc (09022015). Collection method: clinical testing. Allele origin: germline.
Comment: This sequence change replaces proline, which is neutral and non-polar, with glutamine, which is neutral and polar, at codon 80 of the FLI1 protein (p.Pro80Gln). The frequency data for this variant in the population databases is considered unreliable, as metrics indicate poor data quality at this position in the gnomAD database. This variant has not been reported in the literature in individuals affected with FLI1-related conditions. Invitae Evidence Modeling of protein sequence and biophysical properties (such as structural, functional, and spatial information, amino acid conservation, physicochemical variation, residue mobility, and thermodynamic stability) indicates that this missense variant is not expected to disrupt FLI1 protein function with a negative predictive value of 80%. In summary, the available evidence is currently insufficient to determine the role of this variant in disease. Therefore, it has been classified as a Variant of Uncertain Significance.

Ambry Genetics
Classification: Uncertain significance for Inborn genetic diseases. Last evaluated: 2025-04-09. Review status: criteria provided, single submitter. Criteria: Ambry Variant Classification Scheme 2023. Collection method: clinical testing. Allele origin: germline.